The following is an entry in ClinVar:

NM_000264.5(PTCH1):c.2245G>A (p.Ala749Thr)

Genes: PTCH1 (patched 1; minus strand), LOC100507346 (uncharacterized LOC100507346; plus strand). Cytogenetic location: 9q22.32.
Variant type: single nucleotide variant.
Coding change: c.2245G>A on transcript NM_000264.5 (MANE Select); coding-DNA position 2245, G replaced by A.
Protein change: p.Ala749Thr; replaces alanine 749 with threonine.
Molecular consequence: missense variant. On other transcripts: non-coding transcript variant (2).
Genome position (GRCh38, 1-based): chr9:95,468,756, C>T on the plus strand (G>A on the coding strand, the complement: PTCH1 is on the minus strand). VCF-style: chr9-95468756-C-T. GRCh37 (hg19) VCF-style: chr9-98231038-C-T.
Other names: c.2047G>A, p.Ala683Thr (NM_001083602.3); c.2242G>A, p.Ala748Thr (NM_001083603.3); c.1792G>A, p.Ala598Thr (NM_001083604.3, NM_001083605.3, NM_001083606.3 and 1 more transcripts); c.2089G>A, p.Ala697Thr (NM_001354918.2); short protein forms A697T, A749T, A598T, A683T, A748T.
Identifiers: ClinVar variation 2832285 (VCV002832285.4), dbSNP rs2538142850, ClinGen allele CA374115195.

ClinVar aggregate classification (germline): Uncertain significance. Review status: criteria provided, multiple submitters, no conflicts (2 of 4 stars). 2 submissions from 2 submitters: Uncertain significance (2). Last evaluated 2026-01-27.

Conditions:
Gorlin syndrome. Also called: Basal cell nevus syndrome; Nevoid Basal Cell Carcinoma Syndrome. Identifiers: Orphanet 377, MedGen C0004779, MONDO:0007187.

Submissions (2):

GeneDx
Classification: Uncertain significance. Last evaluated: 2026-01-27. Review status: criteria provided, single submitter. Criteria: GeneDx Variant Classification Process June 2021. Collection method: clinical testing. Allele origin: germline.
Comment: Not observed at significant frequency in large population cohorts (gnomAD); In silico analysis suggests that this missense variant does not alter protein structure/function; Has not been previously published as pathogenic or benign to our knowledge

Labcorp Genetics (formerly Invitae), Labcorp
Classification: Uncertain significance for Gorlin syndrome. Last evaluated: 2023-09-14. Review status: criteria provided, single submitter. Criteria: Invitae Variant Classification Sherloc (09022015). Collection method: clinical testing. Allele origin: germline.
Comment: In summary, the available evidence is currently insufficient to determine the role of this variant in disease. Therefore, it has been classified as a Variant of Uncertain Significance. Advanced modeling of protein sequence and biophysical properties (such as structural, functional, and spatial information, amino acid conservation, physicochemical variation, residue mobility, and thermodynamic stability) performed at Invitae indicates that this missense variant is not expected to disrupt PTCH1 protein function. This variant has not been reported in the literature in individuals affected with PTCH1-related conditions. This variant is not present in population databases (gnomAD no frequency). This sequence change replaces alanine, which is neutral and non-polar, with threonine, which is neutral and polar, at codon 749 of the PTCH1 protein (p.Ala749Thr).